The following is an entry in ClinVar:

ClinVar aggregate classification (germline): Uncertain significance. Review status: criteria provided, multiple submitters, no conflicts (2 of 4 stars). 3 submissions from 3 submitters: Uncertain significance (3). Last evaluated 2025-11-24.

Conditions:
Brugada syndrome 8 (BRGDA8). Identifiers: Orphanet 130, MedGen C2751083, MONDO:0013148, OMIM 613123.
Cardiovascular phenotype. Identifiers: MedGen CN230736.

Submissions (3):

Labcorp Genetics (formerly Invitae), Labcorp
Classification: Uncertain significance for Brugada syndrome 8. Last evaluated: 2025-11-24. Review status: criteria provided, single submitter. Criteria: Invitae Variant Classification Sherloc (09022015). Collection method: clinical testing. Allele origin: germline.
Comment: This variant, c.3499_3504del, results in the deletion of 2 amino acid(s) of the HCN4 protein (p.Leu1167_Phe1168del), but otherwise preserves the integrity of the reading frame. This variant is present in population databases (no rsID available, gnomAD 0.0009%). This variant has been observed in individual(s) with dilated cardiomyopathy (PMID: 39844436). ClinVar contains an entry for this variant (Variation ID: 1732004). Experimental studies and prediction algorithms are not available or were not evaluated, and the functional significance of this variant is currently unknown. In summary, the available evidence is currently insufficient to determine the role of this variant in disease. Therefore, it has been classified as a Variant of Uncertain Significance.

Ambry Genetics
Classification: Uncertain significance for Cardiovascular phenotype. Last evaluated: 2025-04-22. Review status: criteria provided, single submitter. Criteria: Ambry Variant Classification Scheme 2023. Collection method: clinical testing. Allele origin: germline.
Comment: The c.3499_3504delTTGTTT variant (also known as p.L1167_F1168del) is located in coding exon 8 of the HCN4 gene. This variant results from an in-frame TTGTTT deletion at nucleotide positions 3499 to 3504. This results in the in-frame deletion of leucine and phenylalanine at codons 1167 to 1168. This variant has been reported in a sudden cardiac arrest cohort (Janin A et al. Mol Diagn Ther, 2021 May;25:373-385). This amino acid region is not well conserved in available vertebrate species. In addition, this alteration is predicted to be neutral by in silico analysis (Choi Y et al. PLoS ONE. 2012; 7(10):e46688). Since supporting evidence is limited at this time, the clinical significance of this alteration remains unclear.

Blueprint Genetics
Classification: Uncertain significance. Last evaluated: 2020-04-17. Review status: criteria provided, single submitter. Criteria: ACMG Guidelines, 2015. Collection method: clinical testing. Allele origin: germline.

Literature cited by the submitters: PubMed 39844436 (cited by Labcorp Genetics (formerly Invitae), Labcorp); PubMed 33954932 (cited by Ambry Genetics).

NM_005477.3(HCN4):c.3499_3504del (p.Leu1167_Phe1168del)

Gene: HCN4 (hyperpolarization activated cyclic nucleotide gated potassium channel 4; minus strand). Cytogenetic location: 15q24.1.
Variant type: Deletion.
Coding change: c.3499_3504del on transcript NM_005477.3 (MANE Select); coding-DNA positions 3499 to 3504, 6 bases deleted (TTGTTT; older notation c.3499_3504delTTGTTT).
Protein change: p.Leu1167_Phe1168del.
Molecular consequence: inframe deletion.
Genome position (GRCh38, 1-based): chr15:73,322,589-73,322,594, AAACAA deleted on the plus strand (TTGTTT on the coding strand, the reverse complement: HCN4 is on the minus strand); deleting any 6 consecutive bases within chr15:73,322,589-73,322,595 gives the same sequence; the c. name uses the placement nearest the transcript's 3' end. VCF-style (leftmost placement, unchanged base first): chr15-73322588-CAAACAA-C. GRCh37 (hg19) VCF-style: chr15-73614929-CAAACAA-C.
Identifiers: ClinVar variation 1732004 (VCV001732004.6), dbSNP rs1194760807, ClinGen allele CA619410585.